The following is an entry in ClinVar:

ClinVar aggregate classification (germline): Uncertain significance (1 of 4 stars; one submission).

Submission:

Labcorp Genetics (formerly Invitae), Labcorp
Classification: Uncertain significance. Last evaluated: 2025-03-26. Review status: criteria provided, single submitter. Criteria: Invitae Variant Classification Sherloc (09022015). Collection method: clinical testing. Allele origin: germline.
Comment: This sequence change replaces asparagine, which is neutral and polar, with lysine, which is basic and polar, at codon 1645 of the CACNA1E protein (p.Asn1645Lys). This variant is not present in population databases (gnomAD no frequency). This variant has not been reported in the literature in individuals affected with CACNA1E-related conditions. Invitae Evidence Modeling of protein sequence and biophysical properties (such as structural, functional, and spatial information, amino acid conservation, physicochemical variation, residue mobility, and thermodynamic stability) has been performed for this missense variant. However, the output from this modeling did not meet the statistical confidence thresholds required to predict the impact of this variant on CACNA1E protein function. In summary, the available evidence is currently insufficient to determine the role of this variant in disease. Therefore, it has been classified as a Variant of Uncertain Significance.

NM_001205293.3(CACNA1E):c.4935C>A (p.Asn1645Lys)

Gene: CACNA1E (calcium voltage-gated channel subunit alpha1 E; plus strand). Cytogenetic location: 1q25.3.
Variant type: single nucleotide variant.
Coding change: c.4935C>A on transcript NM_001205293.3 (MANE Select); coding-DNA position 4935, C replaced by A.
Protein change: p.Asn1645Lys; replaces asparagine 1645 with lysine.
Molecular consequence: missense variant.
Genome position (GRCh38, 1-based): chr1:181,771,346, C>A. VCF-style: chr1-181771346-C-A. GRCh37 (hg19) VCF-style: chr1-181740482-C-A.
Other names: c.4935C>A, p.Asn1645Lys (NM_000721.4); c.4878C>A, p.Asn1626Lys (NM_001205294.2); short protein forms N1626K, N1645K.
Identifiers: ClinVar variation 4800005 (VCV004800005.1).